The following is an entry in ClinVar:

NM_022458.4(LMBR1):c.843G>A (p.Arg281=)

Gene: LMBR1 (limb development membrane protein 1; minus strand). Cytogenetic location: 7q36.3.
Variant type: single nucleotide variant.
Coding change: c.843G>A on transcript NM_022458.4 (MANE Select); coding-DNA position 843, G replaced by A.
Protein change: p.Arg281=; no amino-acid change (arginine 281 retained).
Molecular consequence: synonymous variant. On other transcripts: non-coding transcript variant (1).
Genome position (GRCh38, 1-based): chr7:156,728,716, C>T on the plus strand (G>A on the coding strand, the complement: LMBR1 is on the minus strand). VCF-style: chr7-156728716-C-T. GRCh37 (hg19) VCF-style: chr7-156521410-C-T.
Other names: c.966G>A, p.Arg322= (NM_001350953.2, NM_001363409.2); c.564G>A, p.Arg188= (NM_001350954.2); c.387G>A, p.Arg129= (NM_001350955.2, NM_001350956.2, NM_001350958.2 and 1 more transcripts); c.474G>A, p.Arg158= (NM_001350957.2, NM_001363411.2); c.843G>A, p.Arg281= (NM_001363410.2); c.780G>A, p.Arg260= (NM_001363412.2).
Identifiers: ClinVar variation 283575 (VCV000283575.25), dbSNP rs140806590, ClinGen allele CA4587934.

ClinVar aggregate classification (germline): Conflicting classifications of pathogenicity. Review status: criteria provided, conflicting classifications (1 of 4 stars). 4 submissions from 4 submitters: Uncertain significance (1); Benign (1); Likely benign (2). Last evaluated 2026-01-28.

Conditions:
Polydactyly of a triphalangeal thumb. Also called: POLYDACTYLY OF TRIPHALANGEAL THUMB; TRIPHALANGEAL THUMB-POLYDACTYLY SYNDROME; Polydactyly, preaxial type II. Identifiers: Orphanet 2439, Orphanet 2950, Orphanet 93336, MedGen C1868114, MONDO:0008270, OMIM 174500.

Allele frequency attached by ClinVar (database versions not stated): 1000 Genomes Project 30x 0.00016; 1000 Genomes Project 0.00020; ESP Exome Variant Server 0.00054; TOPMed 0.00063; gnomAD exomes 0.00064 and 0.00114; ExAC 0.00065; gnomAD 0.00074 and 0.00077.
gnomAD v4.1: 1,711 of 1,596,162 alleles (0.11%); highest among the groups gnomAD compares: Non-Finnish European, 0.14%; 1 homozygote.

Submissions (4):

Labcorp Genetics (formerly Invitae), Labcorp
Classification: Likely benign. Last evaluated: 2026-01-28. Review status: criteria provided, single submitter. Criteria: Invitae Variant Classification Sherloc (09022015). Collection method: clinical testing. Allele origin: germline.

CeGaT Center for Human Genetics Tuebingen
Classification: Likely benign. Last evaluated: 2025-11-01. Review status: criteria provided, single submitter. Criteria: CeGaT Center For Human Genetics Tuebingen Variant Classification Criteria Version 2. Collection method: clinical testing. Allele origin: germline. Affected: yes. Observed: 1 variant allele.
Comment: LMBR1: BP4, BP7

Illumina Laboratory Services, Illumina
Classification: Benign for Polydactyly of a triphalangeal thumb. Last evaluated: 2018-01-13. Review status: criteria provided, single submitter. Criteria: ICSL Variant Classification Criteria 13 December 2019. Collection method: clinical testing. Allele origin: germline.
Comment: This variant was observed in the ICSL laboratory as part of a predisposition screen in an ostensibly healthy population. It had not been previously curated by ICSL or reported in the Human Gene Mutation Database (HGMD: prior to June 1st, 2018), and was therefore a candidate for classification through an automated scoring system. Utilizing variant allele frequency, disease prevalence and penetrance estimates, and inheritance mode, an automated score was calculated to assess if this variant is too frequent to cause the disease. Based on the score and internal cut-off values, a variant classified as benign is not then subjected to further curation. The score for this variant resulted in a classification of benign for this disease.

Eurofins Ntd Llc (ga)
Classification: Uncertain significance. Last evaluated: 2015-10-09. Review status: criteria provided, single submitter. Criteria: EGL Classification Definitions 2015. Collection method: clinical testing. Allele origin: germline. Observed: 1 variant allele, 1 heterozygote.